The following is an entry in ClinVar:

ClinVar aggregate classification (germline): not provided (0 of 4 stars; one submission).

Conditions:
Preeclampsia. Identifiers: Orphanet 275555, MedGen C0032914, MONDO:0005081, HP:0100602.

Submission:

Institute of Molecular and Cell Biology, University of Tartu
No classification provided. Condition: Preeclampsia. Review status: no classification provided. Collection method: case-control. Allele origin: unknown. Affected: yes. Study: Kasak2014.
Comment: The study aimed to determine the contribution of copy number variants in the genetic etiology of normal and complicated pregnancies. The samples represented (i) maternal blood DNA drawn from healthy pregnant women during 1st or 2nd trimester and (ii) maternal and paternal blood DNA drawn at term pregnancy cases representing normal and complicated gestations (severe preeclampsia, PE; gestational diabetes, GD; small-for-gestational age newborn, SGA; large-for-gestational age newborn, LGA). We performed CNV calling based on genome-wide genotyping dataset (Illumina HumanOmniExpress-24-v1 BeadChip) by applying three algorithms, QuantiSNP, GADA (Genome Alteration Detection Algorithm) and CNstream in parallel. The acquired CNV calls were merged with HD-CNV (Hotspot Detector for Copy Number Variants) program and only the CNVs predicted by at least two programs, were considered in subsequent analysis.

Literature cited by the submitters: PubMed 25666259.

NC_000002.12:g.159465277_159711026dup

Genes: BAZ2B (bromodomain adjacent to zinc finger domain 2B; minus strand), BAZ2B-AS1 (BAZ2B antisense RNA 1; plus strand), LOC120977012 (Sharpr-MPRA regulatory region 4770; plus strand), LOC132088769 (Neanderthal introgressed variant-containing enhancer experimental_53833; plus strand). Cytogenetic location: 2q24.2.
Variant type: Duplication.
Identifiers: ClinVar variation 156809 (VCV000156809.2).